The following is an entry in ClinVar:

NM_001040108.2(MLH3):c.3647G>A (p.Gly1216Glu)

Gene: MLH3 (mutL homolog 3; minus strand). Cytogenetic location: 14q24.3.
Variant type: single nucleotide variant.
Coding change: c.3647G>A on transcript NM_001040108.2 (MANE Select); coding-DNA position 3647, G replaced by A.
Protein change: p.Gly1216Glu; replaces glycine 1216 with glutamic acid.
Molecular consequence: missense variant. On other transcripts: intron variant (1).
Genome position (GRCh38, 1-based): chr14:75,033,487, C>T on the plus strand (G>A on the coding strand, the complement: MLH3 is on the minus strand). VCF-style: chr14-75033487-C-T. GRCh37 (hg19) VCF-style: chr14-75500190-C-T.
Other names: c.3644-1308G>A (NM_014381.3); short protein forms G1216E.
Identifiers: ClinVar variation 3295157 (VCV003295157.1).
Genomic context (GRCh38, chr14:75,033,487, plus strand): 5'-AGCTGCTCCAGACGTATACGCTCATGGGCAGCGTGCTGATCCACCAGCACGAGCAGGTTC[C>T]CACCTAGATGAGCAAGGATTGTGAACTTTGATTCTCAGAGCAAGACGACAACCATCATGT-3'
Protein context (NP_001035197.1, residues 1206-1226): TKTEENGEAG[Gly1216Glu]NLLVLVDQHA

ClinVar aggregate classification (germline): Uncertain significance (1 of 4 stars; one submission).

Submission:

Ambry Genetics
Classification: Uncertain significance. Last evaluated: 2024-06-04. Review status: criteria provided, single submitter. Criteria: Ambry Variant Classification Scheme 2023. Collection method: clinical testing. Allele origin: germline.
Comment: The p.G1216E variant (also known as c.3647G>A), located in coding exon 6 of the MLH3 gene, results from a G to A substitution at nucleotide position 3647. The glycine at codon 1216 is replaced by glutamic acid, an amino acid with similar properties. This amino acid position is conserved. In addition, the in silico prediction for this alteration is inconclusive. Based on the available evidence, the clinical significance of this variant remains unclear.